The following is an entry in ClinVar:

NM_001036.6(RYR3):c.161C>T (p.Ser54Leu)

Gene: RYR3 (ryanodine receptor 3; plus strand). Cytogenetic location: 15q14.
Variant type: single nucleotide variant.
Coding change: c.161C>T on transcript NM_001036.6 (MANE Select); coding-DNA position 161, C replaced by T.
Protein change: p.Ser54Leu; replaces serine 54 with leucine.
Molecular consequence: missense variant.
Genome position (GRCh38, 1-based): chr15:33,473,528, C>T. VCF-style: chr15-33473528-C-T. GRCh37 (hg19) VCF-style: chr15-33765729-C-T.
Other names: c.161C>T, p.Ser54Leu (NM_001243996.4); short protein forms S54L.
Identifiers: ClinVar variation 1053470 (VCV001053470.10), dbSNP rs372207437, ClinGen allele CA7457705.

ClinVar aggregate classification (germline): Uncertain significance. Review status: criteria provided, multiple submitters, no conflicts (2 of 4 stars). 2 submissions from 2 submitters: Uncertain significance (2). Last evaluated 2023-11-29.

Conditions:
Epileptic encephalopathy. Identifiers: MedGen C0543888, HP:0200134.
Congenital myopathy 20 (CMYO20). Identifiers: MedGen C5830393, MONDO:0957215, OMIM 620310.

Allele frequency attached by ClinVar (database versions not stated): ExAC 0.00001; gnomAD exomes 0.00001 and 0.00005; TOPMed 0.00001; ESP Exome Variant Server 0.00016.
gnomAD v4.1: 64 of 1,614,030 alleles (0.004%); highest among the groups gnomAD compares: Non-Finnish European, 0.0053%; no homozygotes.

Submissions (2):

ARUP Laboratories, Molecular Genetics and Genomics, ARUP Laboratories
Classification: Uncertain significance for Congenital myopathy 20. Last evaluated: 2023-11-29. Review status: criteria provided, single submitter. Criteria: ARUP Molecular Germline Variant Investigation Process 2024. Collection method: clinical testing. Allele origin: germline.

Labcorp Genetics (formerly Invitae), Labcorp
Classification: Uncertain significance for Epileptic encephalopathy. Last evaluated: 2020-07-12. Review status: criteria provided, single submitter. Criteria: Invitae Variant Classification Sherloc (09022015). Collection method: clinical testing. Allele origin: germline.
Comment: This sequence change replaces serine with leucine at codon 54 of the RYR3 protein (p.Ser54Leu). The serine residue is moderately conserved and there is a large physicochemical difference between serine and leucine. This variant is present in population databases (rs372207437, ExAC 0.002%). This variant has not been reported in the literature in individuals with RYR3-related conditions. Algorithms developed to predict the effect of missense changes on protein structure and function are either unavailable or do not agree on the potential impact of this missense change (SIFT: "Deleterious"; PolyPhen-2: "Possibly Damaging"; Align-GVGD: "Class C0"). In summary, the available evidence is currently insufficient to determine the role of this variant in disease. Therefore, it has been classified as a Variant of Uncertain Significance.